The following is an entry in ClinVar:

NM_177438.3(DICER1):c.5133T>A (p.Ile1711=)

Gene: DICER1 (dicer 1, ribonuclease III; minus strand). Cytogenetic location: 14q32.13.
Variant type: single nucleotide variant.
Coding change: c.5133T>A on transcript NM_177438.3 (MANE Select); coding-DNA position 5133, T replaced by A.
Protein change: p.Ile1711=; no amino-acid change (isoleucine 1711 retained).
Molecular consequence: synonymous variant. On other transcripts: non-coding transcript variant (6).
Genome position (GRCh38, 1-based): chr14:95,094,119, A>T on the plus strand (T>A on the coding strand, the complement: DICER1 is on the minus strand). VCF-style: chr14-95094119-A-T. GRCh37 (hg19) VCF-style: chr14-95560456-A-T.
Other names: c.5133T>A, p.Ile1711= (NM_001195573.1, NM_001271282.3, NM_001291628.2 and 8 more transcripts); c.4851T>A, p.Ile1617= (NM_001395686.1); c.4728T>A, p.Ile1576= (NM_001395687.1, NM_001395688.1, NM_001395689.1 and 1 more transcripts); c.4566T>A, p.Ile1522= (NM_001395691.1); c.3450T>A, p.Ile1150= (NM_001395697.1).
Identifiers: ClinVar variation 4875943 (VCV004875943.1).

ClinVar aggregate classification (germline): Benign (1 of 4 stars; one submission).

Conditions:
DICER1-related tumor predisposition. Also called: DICER1 syndrome; DICER1-related pleuropulmonary blastoma cancer predisposition syndrome. Identifiers: Orphanet 284343, MedGen C3839822, MONDO:0100216.

Submission:

Myriad Genetics, Inc.
Classification: Benign for DICER1-related tumor predisposition. Last evaluated: 2026-04-20. Review status: criteria provided, single submitter. Criteria: Myriad Autosomal Dominant, Autosomal Recessive and X-Linked Classification Criteria (2023). Collection method: clinical testing. Allele origin: unknown.
Comment: This variant is considered benign. This variant is a silent/synonymous amino acid change and it is not expected to impact splicing.